The following is an entry in ClinVar:

NM_001041.4(SI):c.2329C>T (p.Arg777Trp)

Gene: SI (sucrase-isomaltase; minus strand). Cytogenetic location: 3q26.1.
Variant type: single nucleotide variant.
Coding change: c.2329C>T on transcript NM_001041.4 (MANE Select); coding-DNA position 2329, C replaced by T.
Protein change: p.Arg777Trp; replaces arginine 777 with tryptophan.
Molecular consequence: missense variant.
Genome position (GRCh38, 1-based): chr3:165,037,997, G>A on the plus strand (C>T on the coding strand, the complement: SI is on the minus strand). VCF-style: chr3-165037997-G-A. GRCh37 (hg19) VCF-style: chr3-164755785-G-A.
Other names: c.2329C>T (NM_001041.3); short protein forms R777W.
Identifiers: ClinVar variation 2158627 (VCV002158627.4), dbSNP rs369923936, ClinGen allele CA2690732.

ClinVar aggregate classification (germline): Uncertain significance. Review status: criteria provided, multiple submitters, no conflicts (2 of 4 stars). 3 submissions from 3 submitters: Uncertain significance (3). Last evaluated 2025-09-10.

Conditions:
Sucrase-isomaltase deficiency (CSID). Also called: Congenital sucrose isomaltose malabsorption; Sucrose isomaltose enzyme deficiency; SI DEFICIENCY; Deficiency of isomaltase. Identifiers: Orphanet 35122, MedGen C1283620, MONDO:0009114, OMIM 222900.
Inborn genetic diseases. Identifiers: MedGen C0950123, MeSH D030342.

Allele frequency attached by ClinVar (database versions not stated): ExAC 0.00004; ESP Exome Variant Server 0.00015.
gnomAD v4.1: 143 of 1,603,246 alleles (0.0089%); highest among the groups gnomAD compares: Non-Finnish European, 0.012%; no homozygotes.

Submissions (3):

Ambry Genetics
Classification: Uncertain significance for Inborn genetic diseases. Last evaluated: 2025-09-10. Review status: criteria provided, single submitter. Criteria: Ambry Variant Classification Scheme 2023. Collection method: clinical testing. Allele origin: germline.

Labcorp Genetics (formerly Invitae), Labcorp
Classification: Uncertain significance. Last evaluated: 2024-12-24. Review status: criteria provided, single submitter. Criteria: Invitae Variant Classification Sherloc (09022015). Collection method: clinical testing. Allele origin: germline.
Comment: This sequence change replaces arginine, which is basic and polar, with tryptophan, which is neutral and slightly polar, at codon 777 of the SI protein (p.Arg777Trp). This variant is present in population databases (rs369923936, gnomAD 0.01%). This variant has not been reported in the literature in individuals affected with SI-related conditions. ClinVar contains an entry for this variant (Variation ID: 2158627). Invitae Evidence Modeling of protein sequence and biophysical properties (such as structural, functional, and spatial information, amino acid conservation, physicochemical variation, residue mobility, and thermodynamic stability) indicates that this missense variant is not expected to disrupt SI protein function with a negative predictive value of 95%. In summary, the available evidence is currently insufficient to determine the role of this variant in disease. Therefore, it has been classified as a Variant of Uncertain Significance.

Fulgent Genetics
Classification: Uncertain significance for Sucrase-isomaltase deficiency. Last evaluated: 2024-02-03. Review status: criteria provided, single submitter. Criteria: ACMG Guidelines, 2015. Collection method: clinical testing. Allele origin: germline.